The following is an entry in ClinVar:

ClinVar aggregate classification (germline): Uncertain significance (1 of 4 stars; one submission).

Allele frequency attached by ClinVar (database versions not stated): gnomAD exomes below 0.00001.
gnomAD v4.1: 6 of 1,592,126 alleles (0.00038%); highest among the groups gnomAD compares: Non-Finnish European, 0.00051%; no homozygotes.

Submission:

Ambry Genetics
Classification: Uncertain significance. Last evaluated: 2021-10-14. Review status: criteria provided, single submitter. Criteria: Ambry Variant Classification Scheme 2023. Collection method: clinical testing. Allele origin: germline.
Comment: The p.H613D variant (also known as c.1837C>G), located in coding exon 17 of the PRKDC gene, results from a C to G substitution at nucleotide position 1837. The histidine at codon 613 is replaced by aspartic acid, an amino acid with similar properties. This amino acid position is conserved. In addition, this alteration is predicted to be tolerated by in silico analysis. Since supporting evidence is limited at this time, the clinical significance of this alteration remains unclear.

NM_006904.7(PRKDC):c.1837C>G (p.His613Asp)

Gene: PRKDC (protein kinase, DNA-activated, catalytic subunit; minus strand). Cytogenetic location: 8q11.21.
Variant type: single nucleotide variant.
Coding change: c.1837C>G on transcript NM_006904.7 (MANE Select); coding-DNA position 1837, C replaced by G.
Protein change: p.His613Asp; replaces histidine 613 with aspartic acid.
Molecular consequence: missense variant.
Genome position (GRCh38, 1-based): chr8:47,930,727, G>C on the plus strand (C>G on the coding strand, the complement: PRKDC is on the minus strand). VCF-style: chr8-47930727-G-C. GRCh37 (hg19) VCF-style: chr8-48843287-G-C.
Other names: c.1837C>G, p.His613Asp (NM_001081640.2); short protein forms H613D.
Identifiers: ClinVar variation 1781058 (VCV001781058.2), dbSNP rs761199831, ClinGen allele CA4741623.